The following is an entry in ClinVar:

NM_031935.3(HMCN1):c.8362G>A (p.Asp2788Asn)

Gene: HMCN1 (hemicentin 1; plus strand). Cytogenetic location: 1q31.1.
Variant type: single nucleotide variant.
Coding change: c.8362G>A on transcript NM_031935.3 (MANE Select); coding-DNA position 8362, G replaced by A.
Protein change: p.Asp2788Asn; replaces aspartic acid 2788 with asparagine.
Molecular consequence: missense variant.
Genome position (GRCh38, 1-based): chr1:186,076,499, G>A. VCF-style: chr1-186076499-G-A. GRCh37 (hg19) VCF-style: chr1-186045631-G-A.
Other names: short protein forms D2788N.
Identifiers: ClinVar variation 2037614 (VCV002037614.4), dbSNP rs1658821072, ClinGen allele CA343912252.

ClinVar aggregate classification (germline): Uncertain significance (1 of 4 stars; one submission).

Allele frequency attached by ClinVar (database versions not stated): TOPMed below 0.00001.
gnomAD v4.1: 2 of 1,613,762 alleles (0.00012%); highest among the groups gnomAD compares: Non-Finnish European, 0.00017%; no homozygotes.

Submission:

Labcorp Genetics (formerly Invitae), Labcorp
Classification: Uncertain significance. Last evaluated: 2024-02-24. Review status: criteria provided, single submitter. Criteria: Invitae Variant Classification Sherloc (09022015). Collection method: clinical testing. Allele origin: germline.
Comment: This sequence change replaces aspartic acid, which is acidic and polar, with asparagine, which is neutral and polar, at codon 2788 of the HMCN1 protein (p.Asp2788Asn). This variant is not present in population databases (gnomAD no frequency). This variant has not been reported in the literature in individuals affected with HMCN1-related conditions. ClinVar contains an entry for this variant (Variation ID: 2037614). An algorithm developed to predict the effect of missense changes on protein structure and function (PolyPhen-2) suggests that this variant is likely to be disruptive. In summary, the available evidence is currently insufficient to determine the role of this variant in disease. Therefore, it has been classified as a Variant of Uncertain Significance.